The following is an entry in ClinVar:

ClinVar aggregate classification (germline): Uncertain significance. Review status: criteria provided, multiple submitters, no conflicts (2 of 4 stars). 2 submissions from 2 submitters: Uncertain significance (2). Last evaluated 2025-02-07.

Allele frequency attached by ClinVar (database versions not stated): gnomAD exomes below 0.00001; gnomAD 0.00001; TOPMed 0.00001.
gnomAD v4.1: 6 of 1,563,760 alleles (0.00038%); highest among the groups gnomAD compares: Non-Finnish European, 0.00053%; no homozygotes.

Submissions (2):

Ambry Genetics
Classification: Uncertain significance. Last evaluated: 2025-02-07. Review status: criteria provided, single submitter. Criteria: Ambry Variant Classification Scheme 2023. Collection method: clinical testing. Allele origin: germline.

Labcorp Genetics (formerly Invitae), Labcorp
Classification: Uncertain significance. Last evaluated: 2022-04-30. Review status: criteria provided, single submitter. Criteria: Invitae Variant Classification Sherloc (09022015). Collection method: clinical testing. Allele origin: germline.
Comment: In summary, the available evidence is currently insufficient to determine the role of this variant in disease. Therefore, it has been classified as a Variant of Uncertain Significance. Algorithms developed to predict the effect of missense changes on protein structure and function are either unavailable or do not agree on the potential impact of this missense change (SIFT: "Not Available"; PolyPhen-2: "Benign"; Align-GVGD: "Not Available"). This variant has not been reported in the literature in individuals affected with IFT52-related conditions. This variant is present in population databases (no rsID available, gnomAD 0.007%). This sequence change replaces phenylalanine, which is neutral and non-polar, with serine, which is neutral and polar, at codon 95 of the IFT52 protein (p.Phe95Ser).

NM_016004.5(IFT52):c.284T>C (p.Phe95Ser)

Gene: IFT52 (intraflagellar transport 52; plus strand). Cytogenetic location: 20q13.12.
Variant type: single nucleotide variant.
Coding change: c.284T>C on transcript NM_016004.5 (MANE Select); coding-DNA position 284, T replaced by C.
Protein change: p.Phe95Ser; replaces phenylalanine 95 with serine.
Molecular consequence: missense variant. On other transcripts: 5 prime UTR variant (4).
Genome position (GRCh38, 1-based): chr20:43,603,836, T>C. VCF-style: chr20-43603836-T-C. GRCh37 (hg19) VCF-style: chr20-42232476-T-C.
Other names: c.284T>C, p.Phe95Ser (NM_001303458.3, NM_001303459.3); c.-388T>C (NM_001323578.2, NM_001323580.2); c.-481T>C (NM_001323579.2, NM_001323581.2); c.284T>C (NM_016004.2); short protein forms F95S.
Identifiers: ClinVar variation 1523815 (VCV001523815.6), dbSNP rs1167177237, ClinGen allele CA409083808.
Genomic context (GRCh38, chr20:43,603,836, plus strand): 5'-AATATCTTGACACTGGTGGAGATGTCTTTGTGATGCTAGGAGAAGGTGGAGAATCCAGAT[T>C]TGACACCAATATTAACTTTTTACTAGAAGAATATGGAATCATGGTTAATAATGGTAATTA-3'
Protein context (NP_057088.2, residues 85-105): VMLGEGGESR[Phe95Ser]DTNINFLLEE